The following is an entry in ClinVar:

NM_000077.5(CDKN2A):c.149A>T (p.Gln50Leu)

Gene: CDKN2A (cyclin dependent kinase inhibitor 2A; minus strand). Cytogenetic location: 9p21.3.
Variant type: single nucleotide variant.
Coding change: c.149A>T on transcript NM_000077.5; coding-DNA position 149, A replaced by T.
Protein change: p.Gln50Leu; replaces glutamine 50 with leucine.
Molecular consequence: missense variant (on NM_000077.6). On other transcripts: intron variant (2).
Genome position (GRCh38, 1-based): chr9:21,974,679, T>A on the plus strand (A>T on the coding strand, the complement: CDKN2A is on the minus strand). VCF-style: chr9-21974679-T-A. GRCh37 (hg19) VCF-style: chr9-21974678-T-A.
Other names: c.149A>T, p.Gln50Leu (NM_000077.6, NM_001195132.2, NM_058197.5); c.-3-3471A>T (NM_001363763.2); c.194-3471A>T (NM_058195.4); short protein forms Q50L.
Identifiers: ClinVar variation 133878 (VCV000133878.18), dbSNP rs587778189, ClinGen allele CA158058.

ClinVar aggregate classification (germline): Uncertain significance. Review status: criteria provided, multiple submitters, no conflicts (2 of 4 stars). 6 submissions from 6 submitters: Uncertain significance (5). 1 of the submissions does not count toward it. Last evaluated 2025-08-20.

Conditions:
Hereditary cancer-predisposing syndrome. Also called: Tumor predisposition; Hereditary neoplastic syndrome; Neoplastic Syndromes, Hereditary; Hereditary Cancer Syndrome. Identifiers: Orphanet 140162, MedGen C0027672, MeSH D009386, MONDO:0015356.
Familial melanoma. Also called: Hereditary melanoma; Hereditary cutaneous melanoma. Identifiers: Orphanet 618, MedGen C1512419, MONDO:0018961.
Melanoma and neural system tumor syndrome. Also called: MELANOMA-ASTROCYTOMA SYNDROME. Identifiers: Orphanet 252206, MedGen C1835042, MONDO:0007967, OMIM 155755.

Allele frequency attached by ClinVar (database versions not stated): TOPMed below 0.00001.
gnomAD v4.1: 1 of 1,614,024 alleles (0.000062%); highest among the groups gnomAD compares: Admixed American, 0.0017%; no homozygotes.

Submissions (6):

Labcorp Genetics (formerly Invitae), Labcorp
Classification: Uncertain significance for Familial melanoma. Last evaluated: 2025-08-20. Review status: criteria provided, single submitter. Criteria: Invitae Variant Classification Sherloc (09022015). Collection method: clinical testing. Allele origin: germline.
Comment: This sequence change replaces glutamine, which is neutral and polar, with leucine, which is neutral and non-polar, at codon 50 of the CDKN2A (p16INK4a) protein (p.Gln50Leu). This variant is present in population databases (rs587778189, gnomAD 0.003%). This variant has not been reported in the literature in individuals affected with CDKN2A (p16INK4a)-related conditions. ClinVar contains an entry for this variant (Variation ID: 133878). An algorithm developed to predict the effect of missense changes on protein structure and function (PolyPhen-2) suggests that this variant is likely to be disruptive. Algorithms developed to predict the effect of sequence changes on RNA splicing suggest that this variant may disrupt the consensus splice site. This variant disrupts the p.Gln50Arg amino acid residue in CDKN2A (p16INK4a). Other variant(s) that disrupt this residue have been determined to be pathogenic (PMID: 8573142, 8595405, 11477665, 11500805, 25356972, 26775776). This suggests that this residue is clinically significant, and that variants that disrupt this residue are likely to be disease-causing. In summary, the available evidence is currently insufficient to determine the role of this variant in disease. Therefore, it has been classified as a Variant of Uncertain Significance.

Ambry Genetics
Classification: Uncertain significance for Hereditary cancer-predisposing syndrome. Last evaluated: 2024-11-18. Review status: criteria provided, single submitter. Criteria: Ambry Variant Classification Scheme 2023. Collection method: clinical testing. Allele origin: germline.
Comment: The p.Q50L variant (also known as c.149A>T), located in coding exon 1 of the CDKN2A gene, results from an A to T substitution at nucleotide position 149. The glutamine at codon 50 is replaced by leucine, an amino acid with dissimilar properties. This amino acid position is highly conserved in available vertebrate species. In addition, this alteration is predicted to be deleterious by in silico analysis. Since supporting evidence is limited at this time, the clinical significance of this alteration remains unclear.

Baylor Genetics
Classification: Uncertain significance for Melanoma and neural system tumor syndrome. Last evaluated: 2023-08-04. Review status: criteria provided, single submitter. Criteria: ACMG Guidelines, 2015. Collection method: clinical testing. Allele origin: unknown.

Quest Diagnostics Nichols Institute San Juan Capistrano
Classification: Uncertain significance. Last evaluated: 2022-09-23. Review status: criteria provided, single submitter. Criteria: Quest Diagnostics criteria. Collection method: clinical testing. Allele origin: unknown.
Comment: The frequency of this variant in the general population, 0.000004 (1/249628 chromosomes), is uninformative in assessment of its pathogenicity. In the published literature, the variant has been reported in a cohort of healthy individuals under the age of 50 (PMID: 24728327 (2014)). Analysis of this variant using bioinformatics tools for the prediction of the effect of amino acid changes on protein structure and function yielded predictions that this variant is damaging. Additional analysis using software algorithms for the prediction of the effect of nucleotide changes on splicing yielded predictions that this variant may affect proper CDKN2A mRNA splicing . Based on the available information, we are unable to determine the clinical significance of this variant.

Color Diagnostics, LLC DBA Color Health
Classification: Uncertain significance for Hereditary cancer-predisposing syndrome. Last evaluated: 2022-03-02. Review status: criteria provided, single submitter. Criteria: ACMG Guidelines, 2015. Collection method: clinical testing. Allele origin: germline.
Comment: This missense variant replaces glutamine with leucine at codon 50 of the CDKN2A (p16INK4A) protein. Computational prediction is inconclusive regarding the impact of this variant on protein structure and function (internally defined REVEL score threshold 0.5 < inconclusive < 0.7, PMID: 27666373). To our knowledge, functional studies have not been reported for this variant nor has this variant been reported in individuals affected with hereditary cancer in the literature. This variant has been identified in 1/249628 chromosomes in the general population by the Genome Aggregation Database (gnomAD). Two different missense variants at this position, p.Gln50Arg and p.Gln50Pro, have been reported as disease-causing in ClinVar (variation ID: 187713, 232304) and have been reported in individuals and families affected with melanoma and pancreatic cancer (PMID: 8595405, 11477665, 11500805, 11815963, 16234564, 25356972, 26775776). The variant p.Gln50Arg was also observed to segregate with disease in one family (PMID: 8595405, 11500805). However, it is unclear whether the leucine substitution has similar impact. The available evidence is insufficient to determine the role of this variant in disease conclusively. Therefore, this variant is classified as a Variant of Uncertain Significance.

ITMI
No classification provided. Condition: AllHighlyPenetrant. Last evaluated: 2013-09-19. Review status: no classification provided. Collection method: reference population. Allele origin: germline. Not counted in ClinVar's aggregate classification.
Comment: Please see associated publication for description of ethnicities

Literature cited by the submitters: PubMed 8573142 (cited by Labcorp Genetics (formerly Invitae), Labcorp); PubMed 8595405 (cited by Labcorp Genetics (formerly Invitae), Labcorp and Color Diagnostics, LLC DBA Color Health); PubMed 11477665 (cited by Labcorp Genetics (formerly Invitae), Labcorp and Color Diagnostics, LLC DBA Color Health); PubMed 11500805 (cited by Labcorp Genetics (formerly Invitae), Labcorp and Color Diagnostics, LLC DBA Color Health); PubMed 25356972 (cited by Labcorp Genetics (formerly Invitae), Labcorp and Color Diagnostics, LLC DBA Color Health); PubMed 26775776 (cited by Labcorp Genetics (formerly Invitae), Labcorp and Color Diagnostics, LLC DBA Color Health); PubMed 24728327 (cited by Quest Diagnostics Nichols Institute San Juan Capistrano and ITMI); PubMed 11815963 (cited by Color Diagnostics, LLC DBA Color Health); PubMed 16234564 (cited by Color Diagnostics, LLC DBA Color Health).